The following is an entry in ClinVar:

ClinVar aggregate classification (germline): Uncertain significance (1 of 4 stars; one submission).

Submission:

GeneDx
Classification: Uncertain significance. Last evaluated: 2025-06-03. Review status: criteria provided, single submitter. Criteria: GeneDx Variant Classification Process June 2021. Collection method: clinical testing. Allele origin: germline. Affected: yes.
Comment: Not observed at significant frequency in large population cohorts (gnomAD); Frameshift variant predicted to result in abnormal protein length as the last 46 amino acids are replaced with 35 different amino acids; Has not been previously published as pathogenic or benign to our knowledge

NM_002608.4(PDGFB):c.584dup (p.Ser196fs)

Gene: PDGFB (platelet derived growth factor subunit B; minus strand). Cytogenetic location: 22q13.1.
Variant type: Duplication.
Coding change: c.584dup on transcript NM_002608.4 (MANE Select); coding-DNA position 584, one base duplicated (G; older notation c.584dupG).
Protein change: p.Ser196fs; shifts the reading frame from serine 196.
Molecular consequence: frameshift variant.
Genome position (GRCh38, 1-based): chr22:39,230,101, C duplicated on the plus strand (G on the coding strand, the reverse complement: PDGFB is on the minus strand); the first of 6 consecutive C bases (chr22:39,230,101-39,230,106); duplicating any one gives the same sequence. VCF-style (leftmost placement, unchanged base first): chr22-39230100-A-AC. GRCh37 (hg19) VCF-style: chr22-39626105-A-AC.
Other names: c.539dup, p.Ser181fs (NM_033016.3); short protein forms S181fs, S196fs.
Identifiers: ClinVar variation 4536605 (VCV004536605.1).